The following is an entry in ClinVar:

NM_017646.6(TRIT1):c.481G>T (p.Val161Leu)

Gene: TRIT1 (tRNA isopentenyltransferase 1; minus strand). Cytogenetic location: 1p34.2.
Variant type: single nucleotide variant.
Coding change: c.481G>T on transcript NM_017646.6 (MANE Select); coding-DNA position 481, G replaced by T.
Protein change: p.Val161Leu; replaces valine 161 with leucine.
Molecular consequence: missense variant.
Genome position (GRCh38, 1-based): chr1:39,852,810, C>A on the plus strand (G>T on the coding strand, the complement: TRIT1 is on the minus strand). VCF-style: chr1-39852810-C-A. GRCh37 (hg19) VCF-style: chr1-40318482-C-A.
Other names: c.481G>T, p.Val161Leu (NM_001312691.2); c.241G>T, p.Val81Leu (NM_001312692.2); short protein forms V161L, V81L.
Identifiers: ClinVar variation 1381982 (VCV001381982.6), dbSNP rs1479561866, ClinGen allele CA339837370.

ClinVar aggregate classification (germline): Uncertain significance (1 of 4 stars; one submission).

Submission:

Labcorp Genetics (formerly Invitae), Labcorp
Classification: Uncertain significance. Last evaluated: 2024-02-12. Review status: criteria provided, single submitter. Criteria: Invitae Variant Classification Sherloc (09022015). Collection method: clinical testing. Allele origin: germline.
Comment: This sequence change replaces valine, which is neutral and non-polar, with leucine, which is neutral and non-polar, at codon 161 of the TRIT1 protein (p.Val161Leu). This variant is not present in population databases (gnomAD no frequency). This variant has not been reported in the literature in individuals affected with TRIT1-related conditions. ClinVar contains an entry for this variant (Variation ID: 1381982). Advanced modeling of protein sequence and biophysical properties (such as structural, functional, and spatial information, amino acid conservation, physicochemical variation, residue mobility, and thermodynamic stability) performed at Invitae indicates that this missense variant is not expected to disrupt TRIT1 protein function with a negative predictive value of 80%. In summary, the available evidence is currently insufficient to determine the role of this variant in disease. Therefore, it has been classified as a Variant of Uncertain Significance.